The following is an entry in ClinVar:

NM_001042492.3(NF1):c.3871-4G>C

Gene: NF1 (neurofibromin 1; plus strand). Cytogenetic location: 17q11.2.
Variant type: single nucleotide variant.
Coding change: c.3871-4G>C on transcript NM_001042492.3 (MANE Select); 4 bases into the intron before coding-DNA position 3871, G replaced by C.
Molecular consequence: intron variant.
Genome position (GRCh38, 1-based): chr17:31,235,914, G>C. VCF-style: chr17-31235914-G-C. GRCh37 (hg19) VCF-style: chr17-29562932-G-C.
Other names: c.3871-4G>C (NM_000267.4).
Identifiers: ClinVar variation 230555 (VCV000230555.26), dbSNP rs558421445, ClinGen allele CA8486266.
Genomic context (GRCh38, chr17:31,235,914, plus strand): 5'-GTCTTCTTTTAAGGTAAAATATATGGAGCAGGTATAATAAACTCCTATTCGTGCATTTCT[G>C]TAGGTATATGGTGCTACCTATCTACAAAAACTCCTGGATCCTTTATTACGAATTGTGATC-3'

ClinVar aggregate classification (germline): Conflicting classifications of pathogenicity. Review status: criteria provided, conflicting classifications (1 of 4 stars). 12 submissions from 11 submitters: Uncertain significance (2); Likely benign (10). Last evaluated 2026-08-01.

Conditions:
NF1-related disorder. Also called: NF1-related condition. Identifiers: MedGen CN379171.
Cardiovascular phenotype. Identifiers: MedGen CN230736.
Hereditary cancer-predisposing syndrome. Also called: Neoplastic Syndromes, Hereditary; Tumor predisposition; Hereditary Cancer Syndrome; Hereditary neoplastic syndrome. Identifiers: Orphanet 140162, MedGen C0027672, MeSH D009386, MONDO:0015356.
Neurofibromatosis, type 1 (NF1). Also called: NEUROFIBROMATOSIS, TYPE I, SOMATIC; Peripheral type neurofibromatosis; Neurofibromatosis, type I; VON RECKLINGHAUSEN DISEASE. Identifiers: Orphanet 636, MedGen C0027831, MONDO:0018975, OMIM 162200. Disease mechanism: loss of function.

Allele frequency attached by ClinVar (database versions not stated): gnomAD 0.00001 and 0.00002; TOPMed 0.00002; 1000 Genomes Project 0.00020; 1000 Genomes Project 30x 0.00031.
gnomAD v4.1: 14 of 1,612,464 alleles (0.00087%); highest among the groups gnomAD compares: Middle Eastern, 0.016%; no homozygotes.

Submissions (12):

PreventionGenetics, part of Exact Sciences
Classification: Likely benign for NF1-related condition. Last evaluated: 2026-08-01. Review status: criteria provided, single submitter. Criteria: ACMG Guidelines, 2015. Collection method: clinical testing. Allele origin: germline.
Comment: This variant is classified as likely benign based on ACMG/AMP sequence variant interpretation guidelines (Richards et al. 2015 PMID: 25741868, with internal and published modifications).

Myriad Genetics, Inc.
Classification: Likely benign for Neurofibromatosis, type 1. Last evaluated: 2026-05-12. Review status: criteria provided, single submitter. Criteria: Myriad Autosomal Dominant, Autosomal Recessive and X-Linked Classification Criteria (2023). Collection method: clinical testing. Allele origin: unknown.
Comment: This variant is considered likely benign. This variant is intronic and is not expected to impact mRNA splicing.

Labcorp Genetics (formerly Invitae), Labcorp
Classification: Likely benign for Neurofibromatosis, type 1. Last evaluated: 2026-01-24. Review status: criteria provided, single submitter. Criteria: Invitae Variant Classification Sherloc (09022015). Collection method: clinical testing. Allele origin: germline.

Quest Diagnostics Nichols Institute San Juan Capistrano
Classification: Likely benign. Last evaluated: 2025-03-06. Review status: criteria provided, single submitter. Criteria: Quest Diagnostics criteria. Collection method: clinical testing. Allele origin: unknown.

Institute for Biomarker Research, Medical Diagnostic Laboratories, L.L.C.
Classification: Likely benign for Hereditary cancer-predisposing syndrome. Last evaluated: 2024-06-11. Review status: criteria provided, single submitter. Criteria: ACMG Guidelines, 2015. Collection method: clinical testing. Allele origin: germline.

Blueprint Genetics
Classification: Likely benign. Last evaluated: 2024-06-03. Review status: criteria provided, single submitter. Criteria: ACMG Guidelines, 2015. Collection method: clinical testing. Allele origin: germline.

Sema4
Classification: Uncertain significance for Hereditary cancer-predisposing syndrome. Last evaluated: 2022-02-26. Review status: criteria provided, single submitter. Criteria: Sema4 Curation Guidelines. Collection method: curation. Allele origin: germline.
Comment: The NF1 c.3871-4G>C variant has not been reported in the literature to our knowledge. This variant was observed in 5/251384 chromosomes across all populations in the large and broad cohorts in the Genome Aggregation Database (PMID: 32461654). The variant has been reported in ClinVar (Variation ID: 230555). In silico tools suggest that the variant does not impact splicing, though these predictions have not been confirmed by functional studies. The evidence is insufficient to meet ACMG/AMP criteria for classifying the variant as benign or pathogenic. Thus, the clinical significance of this variant is currently uncertain.

Genome Diagnostics Laboratory, The Hospital for Sick Children
Classification: Likely benign for Neurofibromatosis, type 1. Last evaluated: 2020-10-26. Review status: criteria provided, single submitter. Criteria: ACMG Guidelines, 2015. Collection method: clinical testing. Allele origin: germline. Affected: yes.

Ambry Genetics
Classification: Likely benign for Cardiovascular phenotype; Hereditary cancer-predisposing syndrome. Last evaluated: 2020-10-14. Review status: criteria provided, single submitter. Criteria: Ambry Variant Classification Scheme 2023. Collection method: clinical testing. Allele origin: germline.

Genetic Services Laboratory, University of Chicago
Classification: Uncertain significance. Last evaluated: 2020-04-28. Review status: criteria provided, single submitter. Criteria: ACMG Guidelines, 2015. Collection method: clinical testing. Allele origin: germline. Affected: no.
Comment: DNA sequence analysis of the NF1 gene demonstrated a sequence change in intron 28, c.3871-4G>C. This sequence change has been described in the gnomAD database with a low population frequency of 0.002 (dbSNP rs558421445). This sequence change is not clearly predicted to have a deleterious effect on splicing based on in silico splice prediction programs. This change does not appear to have been previously described in patients with NF1-related disorders and has also not been described as a known benign sequence change in the NF1 gene. Due to the lack of sufficient evidences, the clinical and functional significance of this sequence change is not known at present and its contribution to this patient's disease phenotype cannot definitively be determined.

GeneDx
Classification: Likely benign. Last evaluated: 2018-03-14. Review status: criteria provided, single submitter. Criteria: GeneDx Variant Classification (06012015). Collection method: clinical testing. Allele origin: germline. Affected: yes.
Comment: This variant is considered likely benign or benign based on one or more of the following criteria: it is a conservative change, it occurs at a poorly conserved position in the protein, it is predicted to be benign by multiple in silico algorithms, and/or has population frequency not consistent with disease.

Ambry Genetics
Classification: Likely benign for Hereditary cancer-predisposing syndrome. Last evaluated: 2016-01-19. Review status: criteria provided, single submitter. Criteria: Ambry Autosomal Dominant and X-Linked criteria (10/2015). Collection method: clinical testing. Allele origin: germline. Observed: 1 variant allele.
Comment: In silico models in agreement (benign);Other data supporting benign classification